The following is an entry in ClinVar:

ClinVar aggregate classification (germline): Benign. Review status: criteria provided, multiple submitters, no conflicts (2 of 4 stars). 2 submissions from 2 submitters: Benign (2). Last evaluated 2024-01-24.

Allele frequency attached by ClinVar (database versions not stated): gnomAD exomes 0.36531; gnomAD 0.38045 and 0.38070; TOPMed 0.38355; 1000 Genomes Project 30x 0.41146; 1000 Genomes Project 0.41194.
gnomAD v4.1: 465,314 of 1,265,748 alleles (37%); highest among the groups gnomAD compares: African/African-American, 44%; 86,641 homozygotes.

Submissions (2):

Unidad de Genómica Garrahan, Hospital de Pediatría Garrahan
Classification: Benign. Last evaluated: 2024-01-24. Review status: criteria provided, single submitter. Criteria: ACMG Guidelines, 2015. Collection method: clinical testing. Allele origin: germline. Affected: no. Observed: 23 variant alleles.
Comment: This variant is classified as Benign based on local population frequency. This variant was detected in 24% of patients studied by a panel of primary immunodeficiencies. Number of patients: 23. Only high quality variants are reported.

GeneDx
Classification: Benign. Last evaluated: 2018-07-09. Review status: criteria provided, single submitter. Criteria: GeneDx Variant Classification Process June 2021. Collection method: clinical testing. Allele origin: germline. Affected: yes.

NM_001127198.5(TMC6):c.1887+111G>A

Gene: TMC6 (transmembrane channel like 6; minus strand). Cytogenetic location: 17q25.3.
Variant type: single nucleotide variant.
Coding change: c.1887+111G>A on transcript NM_001127198.5 (MANE Select); 111 bases into the intron after coding-DNA position 1887, G replaced by A.
Molecular consequence: intron variant.
Genome position (GRCh38, 1-based): chr17:78,118,860, C>T on the plus strand (G>A on the coding strand, the complement: TMC6 is on the minus strand). VCF-style: chr17-78118860-C-T. GRCh37 (hg19) VCF-style: chr17-76114941-C-T.
Other names: c.1707+111G>A (NM_001374594.1, NM_001374593.1); c.1887+111G>A (NM_001374596.1, NM_007267.7, NM_001321185.1 and 2 more transcripts).
Identifiers: ClinVar variation 1285976 (VCV001285976.3), dbSNP rs2613519, ClinGen allele CA14388531.